The following is an entry in ClinVar:

ClinVar aggregate classification (germline): Uncertain significance (1 of 4 stars; one submission).

gnomAD v4.1: 4 of 1,614,134 alleles (0.00025%); highest among the groups gnomAD compares: Non-Finnish European, 0.00034%; no homozygotes.

Submission:

Labcorp Genetics (formerly Invitae), Labcorp
Classification: Uncertain significance. Last evaluated: 2024-11-25. Review status: criteria provided, single submitter. Criteria: Invitae Variant Classification Sherloc (09022015). Collection method: clinical testing. Allele origin: germline.
Comment: This sequence change replaces histidine, which is basic and polar, with tyrosine, which is neutral and polar, at codon 358 of the SLC34A2 protein (p.His358Tyr). This variant is not present in population databases (gnomAD no frequency). This variant has not been reported in the literature in individuals affected with SLC34A2-related conditions. Invitae Evidence Modeling of protein sequence and biophysical properties (such as structural, functional, and spatial information, amino acid conservation, physicochemical variation, residue mobility, and thermodynamic stability) indicates that this missense variant is not expected to disrupt SLC34A2 protein function with a negative predictive value of 80%. In summary, the available evidence is currently insufficient to determine the role of this variant in disease. Therefore, it has been classified as a Variant of Uncertain Significance.

NM_006424.3(SLC34A2):c.1072C>T (p.His358Tyr)

Gene: SLC34A2 (solute carrier family 34 member 2; plus strand). Cytogenetic location: 4p15.2.
Variant type: single nucleotide variant.
Coding change: c.1072C>T on transcript NM_006424.3 (MANE Select); coding-DNA position 1072, C replaced by T.
Protein change: p.His358Tyr; replaces histidine 358 with tyrosine.
Molecular consequence: missense variant.
Genome position (GRCh38, 1-based): chr4:25,673,110, C>T. VCF-style: chr4-25673110-C-T. GRCh37 (hg19) VCF-style: chr4-25674732-C-T.
Other names: c.1069C>T, p.His357Tyr (NM_001177998.2, NM_001177999.2); short protein forms H357Y, H358Y.
Identifiers: ClinVar variation 3674652 (VCV003674652.2).